The following is an entry in ClinVar:

NM_001368397.1(FRMPD4):c.3272A>G (p.Gln1091Arg)

Gene: FRMPD4 (FERM and PDZ domain containing 4; plus strand). Cytogenetic location: Xp22.2.
Variant type: single nucleotide variant.
Coding change: c.3272A>G on transcript NM_001368397.1 (MANE Select); coding-DNA position 3272, A replaced by G.
Protein change: p.Gln1091Arg; replaces glutamine 1091 with arginine.
Molecular consequence: missense variant.
Genome position (GRCh38, 1-based): chrX:12,718,098, A>G. VCF-style: chrX-12718098-A-G. GRCh37 (hg19) VCF-style: chrX-12736217-A-G.
Other names: c.3383A>G, p.Gln1128Arg (NM_001368395.3, NM_001368398.3); c.3278A>G, p.Gln1093Arg (NM_001368396.3); c.3263A>G, p.Gln1088Arg (NM_001368399.3); c.3152A>G, p.Gln1051Arg (NM_001368400.3); c.3248A>G, p.Gln1083Arg (NM_001368401.1, NM_001368402.3); c.3272A>G, p.Gln1091Arg (NM_014728.3); short protein forms Q1051R, Q1091R, Q1083R, Q1088R, Q1128R, Q1093R.
Identifiers: ClinVar variation 2252967 (VCV002252967.2), dbSNP rs370851074, ClinGen allele CA10349584.
Genomic context (GRCh38, chrX:12,718,098, plus strand): 5'-GAGACAGTCAACACCTGAGCACTTTTAATCTGGAGAGAACTGCCTTTCGCAAGGACAGTC[A>G]AAGATGGTATGTGGCCACTGAAGGTGGGATGGCTGAAAAAAGTGGATTAGAAGCAGCAAC-3'
Protein context (NP_001355326.1, residues 1081-1101): LERTAFRKDS[Gln1091Arg]RWYVATEGGM

ClinVar aggregate classification (germline): Uncertain significance (1 of 4 stars; one submission).

Conditions:
Inborn genetic diseases. Identifiers: MedGen C0950123, MeSH D030342.

Allele frequency attached by ClinVar (database versions not stated): gnomAD exomes below 0.00001; gnomAD 0.00002; ExAC 0.00003; TOPMed 0.00003; ESP Exome Variant Server 0.00019.
gnomAD v4.1: 5 of 1,209,712 alleles (0.00041%); highest among the groups gnomAD compares: African/African-American, 0.0035%; no homozygotes.

Submission:

Ambry Genetics
Classification: Uncertain significance for Inborn genetic diseases. Last evaluated: 2021-11-08. Review status: criteria provided, single submitter. Criteria: Ambry Variant Classification Scheme 2023. Collection method: clinical testing. Allele origin: germline.
Comment: The c.3272A>G (p.Q1091R) alteration is located in exon 16 (coding exon 16) of the FRMPD4 gene. This alteration results from an A to G substitution at nucleotide position 3272, causing the glutamine (Q) at amino acid position 1091 to be replaced by an arginine (R). Based on data from gnomAD, the G allele has an overall frequency of 0.002% (4/205,205) total alleles studied, with 1 hemizygote observed. The highest observed frequency was 0.026% (2/7,661) of Ashkenazi Jewish alleles. This amino acid position is highly conserved in available vertebrate species. This alteration is predicted to be tolerated by in silico analysis. Based on insufficient or conflicting evidence, the clinical significance of this alteration remains unclear.